The following is an entry in ClinVar:

ClinVar aggregate classification (germline): Conflicting classifications of pathogenicity. Review status: criteria provided, conflicting classifications (1 of 4 stars). 7 submissions from 6 submitters: Uncertain significance (4); Likely benign (2). 1 of the submissions does not count toward it. Last evaluated 2025-08-11.

Conditions:
Inborn genetic diseases. Identifiers: MedGen C0950123, MeSH D030342.
DCTN1-related disorder. Also called: DCTN1-related condition.
Perry syndrome. Also called: PARKINSONISM WITH ALVEOLAR HYPOVENTILATION AND MENTAL DEPRESSION. Identifiers: Orphanet 178509, MedGen C1868594, MONDO:0008201, OMIM 168605.
Amyotrophic lateral sclerosis type 1 (ALS1). Also called: AMYOTROPHIC LATERAL SCLEROSIS 1, FAMILIAL. Identifiers: Orphanet 803, MedGen C1862939, MONDO:0007103, OMIM 105400.
Neuronopathy, distal hereditary motor, type 7B. Also called: Distal Hereditary Motor Neuronopathy Type 7B (dHMN7B); NEURONOPATHY, DISTAL HEREDITARY MOTOR, AUTOSOMAL DOMINANT 14; NEURONOPATHY, DISTAL HEREDITARY MOTOR, HARDING TYPE VIIB; NEUROPATHY, DISTAL HEREDITARY MOTOR, HARDING TYPE VIIB; NEUROPATHY, DISTAL HEREDITARY MOTOR, WITH VOCAL CORD PARALYSIS, HARDING TYPE VIIB; HMN VIIB. Identifiers: Orphanet 139589, MedGen C1843315, MONDO:0011879, OMIM 607641.

Allele frequency attached by ClinVar (database versions not stated): gnomAD exomes 0.00003 and 0.00004; ExAC 0.00004; gnomAD 0.00006; TOPMed 0.00006.
gnomAD v4.1: 55 of 1,614,130 alleles (0.0034%); highest among the groups gnomAD compares: Non-Finnish European, 0.0045%; no homozygotes.

Submissions (7):

PreventionGenetics, part of Exact Sciences
Classification: Uncertain significance for DCTN1-related condition. Last evaluated: 2025-08-11. Review status: criteria provided, single submitter. Criteria: ACMG Guidelines, 2015. Collection method: clinical testing. Allele origin: germline.
Comment: The DCTN1 c.2002C>T variant is predicted to result in the amino acid substitution p.His668Tyr. This variant, reported as NM_023019.3:c.1600C>T (p.His534Tyr) using a different transcript, was reported in an individual with amyotrophic lateral sclerosis (Table S1, Couthouis et al. 2014. PubMed ID: 25299611). Family or functional studies were not reported to help assess the pathogenicity of this variant. This variant is reported in 0.0093% of alleles in individuals of European (Non-Finnish) descent in gnomAD. At this time, the clinical significance of this variant is uncertain due to the absence of conclusive functional and genetic evidence.

Labcorp Genetics (formerly Invitae), Labcorp
Classification: Uncertain significance for Amyotrophic lateral sclerosis type 1; Neuronopathy, distal hereditary motor, type 7B; Perry syndrome. Last evaluated: 2024-11-30. Review status: criteria provided, single submitter. Criteria: Invitae Variant Classification Sherloc (09022015). Collection method: clinical testing. Allele origin: germline.
Comment: This sequence change replaces histidine, which is basic and polar, with tyrosine, which is neutral and polar, at codon 668 of the DCTN1 protein (p.His668Tyr). This variant is present in population databases (rs764443534, gnomAD 0.009%). This missense change has been observed in individual(s) with sporadic amyotrophic lateral sclerosis (PMID: 25299611). This variant is also known as p.His534Tyr. ClinVar contains an entry for this variant (Variation ID: 337085). Invitae Evidence Modeling of protein sequence and biophysical properties (such as structural, functional, and spatial information, amino acid conservation, physicochemical variation, residue mobility, and thermodynamic stability) indicates that this missense variant is not expected to disrupt DCTN1 protein function with a negative predictive value of 95%. In summary, the available evidence is currently insufficient to determine the role of this variant in disease. Therefore, it has been classified as a Variant of Uncertain Significance.

ARUP Laboratories, Molecular Genetics and Genomics, ARUP Laboratories
Classification: Uncertain significance. Last evaluated: 2024-10-09. Review status: criteria provided, single submitter. Criteria: ARUP Molecular Germline Variant Investigation Process 2024. Collection method: clinical testing. Allele origin: germline.
Comment: The DCTN1 c.2002C>T; p.His668Tyr variant (rs764443534, ClinVar Variation ID 337085), also known as c.C1600T; p.His534Tyr for NM_001135041.3, is reported in the literature in one individual affected with amyotrophic lateral sclerosis (Couthouis 2014). This variant is found in the non-Finnish European population with an allele frequency of 0.009% (12/128958 alleles) in the Genome Aggregation Database (v2.1.1). Computational analyses predict that this variant is deleterious (REVEL: 0.758). Due to limited information, the clinical significance of this variant is uncertain at this time. References: Couthouis J et al. Targeted exon capture and sequencing in sporadic amyotrophic lateral sclerosis. PLoS Genet. 2014 Oct 9;10(10):e1004704. PMID: 25299611.

Ambry Genetics
Classification: Likely benign for Inborn genetic diseases. Last evaluated: 2024-01-24. Review status: criteria provided, single submitter. Criteria: Ambry Variant Classification Scheme 2023. Collection method: clinical testing. Allele origin: germline.

Illumina Laboratory Services, Illumina
Classification: Likely benign for Perry syndrome. Last evaluated: 2018-01-13. Review status: criteria provided, single submitter. Criteria: ICSL Variant Classification Criteria 13 December 2019. Collection method: clinical testing. Allele origin: germline.
Comment: This variant was observed in the ICSL laboratory as part of a predisposition screen in an ostensibly healthy population. It had not been previously curated by ICSL or reported in the Human Gene Mutation Database (HGMD: prior to June 1st, 2018), and was therefore a candidate for classification through an automated scoring system. Utilizing variant allele frequency, disease prevalence and penetrance estimates, and inheritance mode, an automated score was calculated to assess if this variant is too frequent to cause the disease. Based on the score and internal cut-off values, a variant classified as likely benign is not then subjected to further curation. The score for this variant resulted in a classification of likely benign for this disease.

Illumina Laboratory Services, Illumina
Classification: Uncertain significance for Neuronopathy, distal hereditary motor, type 7B. Last evaluated: 2018-01-13. Review status: criteria provided, single submitter. Criteria: ICSL Variant Classification Criteria 13 December 2019. Collection method: clinical testing. Allele origin: germline.

Inherited Neuropathy Consortium Ii, University Of Miami
Classification: Uncertain significance for Perry syndrome. Last evaluated: 2016-01-06. Review status: no assertion criteria provided. Collection method: literature only. Allele origin: germline. Affected: yes. Not counted in ClinVar's aggregate classification.

Literature cited by the submitters: PubMed 25299611 (cited by 3 submitters); PubMed 28518168 (cited by Ambry Genetics); PubMed 32461654 (cited by Ambry Genetics).

NM_004082.5(DCTN1):c.2002C>T (p.His668Tyr)

Gene: DCTN1 (dynactin subunit 1; minus strand). Cytogenetic location: 2p13.1.
Variant type: single nucleotide variant.
Coding change: c.2002C>T on transcript NM_004082.5 (MANE Select); coding-DNA position 2002, C replaced by T.
Protein change: p.His668Tyr; replaces histidine 668 with tyrosine.
Molecular consequence: missense variant. On other transcripts: non-coding transcript variant (1).
Genome position (GRCh38, 1-based): chr2:74,367,984, G>A on the plus strand (C>T on the coding strand, the complement: DCTN1 is on the minus strand). VCF-style: chr2-74367984-G-A. GRCh37 (hg19) VCF-style: chr2-74595111-G-A.
Other names: c.1942C>T, p.His648Tyr (NM_001135040.3); c.1600C>T, p.His534Tyr (NM_001135041.3, NM_023019.4); c.1891C>T, p.His631Tyr (NM_001190836.2); c.1981C>T, p.His661Tyr (NM_001190837.2); c.1951C>T, p.His651Tyr (NM_001378991.1); c.1933C>T, p.His645Tyr (NM_001378992.1); short protein forms H631Y, H534Y, H668Y, H661Y, H648Y, H645Y, H651Y.
Identifiers: ClinVar variation 337085 (VCV000337085.20), dbSNP rs764443534, ClinGen allele CA1721991.
Genomic context (GRCh38, chr2:74,367,984, plus strand): 5'-CAATCCTGGACCCCCACCCTGGGGTGAGGGAGTCAGGAGTCACTTACTGCTCATAGCGGT[G>A]TAGCGTGGCCTGCAGCAGGCTCAGCGAGTACACCAGTCCAGCAGCAAAGCTGAGTTGCTC-3'
Protein context (NP_004073.2, residues 658-678): YSLSLLQATL[His668Tyr]RYEHALSQCS